The following is an entry in ClinVar:

NM_002485.5(NBN):c.100C>A (p.Leu34Met)

Gene: NBN (nibrin; minus strand). Cytogenetic location: 8q21.3.
Variant type: single nucleotide variant.
Coding change: c.100C>A on transcript NM_002485.5 (MANE Select); coding-DNA position 100, C replaced by A.
Protein change: p.Leu34Met; replaces leucine 34 with methionine.
Molecular consequence: missense variant. On other transcripts: 5 prime UTR variant (1).
Genome position (GRCh38, 1-based): chr8:89,982,793, G>T on the plus strand (C>A on the coding strand, the complement: NBN is on the minus strand). VCF-style: chr8-89982793-G-T. GRCh37 (hg19) VCF-style: chr8-90995021-G-T.
Other names: c.-197C>A (NM_001024688.3); short protein forms L34M.
Identifiers: ClinVar variation 821999 (VCV000821999.4), dbSNP rs1586111855, ClinGen allele CA371663278.

ClinVar aggregate classification (germline): Uncertain significance (1 of 4 stars; one submission).

Conditions:
Hereditary cancer-predisposing syndrome. Also called: Tumor predisposition; Hereditary Cancer Syndrome; Neoplastic Syndromes, Hereditary; Hereditary neoplastic syndrome. Identifiers: Orphanet 140162, MedGen C0027672, MeSH D009386, MONDO:0015356.

Submission:

Ambry Genetics
Classification: Uncertain significance for Hereditary cancer-predisposing syndrome. Last evaluated: 2019-05-01. Review status: criteria provided, single submitter. Criteria: Ambry Variant Classification Scheme 2023. Collection method: clinical testing. Allele origin: germline.
Comment: The p.L34M variant (also known as c.100C>A), located in coding exon 2 of the NBN gene, results from a C to A substitution at nucleotide position 100. The leucine at codon 34 is replaced by methionine, an amino acid with highly similar properties. This amino acid position is highly conserved in available vertebrate species. In addition, the in silico prediction for this alteration is inconclusive. Since supporting evidence is limited at this time, the clinical significance of this alteration remains unclear.